The following is an entry in ClinVar:

NM_198578.4(LRRK2):c.*1446T>A

Gene: LRRK2 (leucine rich repeat kinase 2; plus strand). Cytogenetic location: 12q12.
Variant type: single nucleotide variant.
Coding change: c.*1446T>A on transcript NM_198578.4 (MANE Select); 1446 bases downstream of the stop codon, T replaced by A.
Molecular consequence: 3 prime UTR variant.
Genome position (GRCh38, 1-based): chr12:40,369,211, T>A. VCF-style: chr12-40369211-T-A. GRCh37 (hg19) VCF-style: chr12-40763013-T-A.
Identifiers: ClinVar variation 308678 (VCV000308678.6), dbSNP rs12422278, ClinGen allele CA10641181.
Genomic context (GRCh38, chr12:40,369,211, plus strand): 5'-TATAATAGAGCTCTTTGTTCCAGTGTTATCTCTTTCATTGTTACTTTGTATTTGCAATTT[T>A]TTTTACCAAAGACAAATTAAAAAAATGAATACCATATTTAAATGGAATAATAAAGGTTTT-3'

ClinVar aggregate classification (germline): Benign. Review status: criteria provided, multiple submitters, no conflicts (2 of 4 stars). 2 submissions from 2 submitters: Benign (2). Last evaluated 2018-01-13.

Conditions:
Autosomal dominant Parkinson disease 8. Also called: Parkinson disease 8, susceptibility to; LRRK2-Related Parkinson Disease; Parkinson disease 8. Identifiers: Orphanet 411602, MedGen C1846862, MONDO:0011764, OMIM 607060.

Allele frequency attached by ClinVar (database versions not stated): gnomAD 0.02939 and 0.03290; 1000 Genomes Project 0.06170; gnomAD exomes 0.05128; 1000 Genomes Project 30x 0.05903; TOPMed 0.03948.
gnomAD v4.1: 5,042 of 151,890 alleles (3.3%); highest among the groups gnomAD compares: Admixed American, 12%; 232 homozygotes.

Submissions (2):

Illumina Laboratory Services, Illumina
Classification: Benign for Autosomal dominant Parkinson disease 8. Last evaluated: 2018-01-13. Review status: criteria provided, single submitter. Criteria: ICSL Variant Classification Criteria 13 December 2019. Collection method: clinical testing. Allele origin: germline.
Comment: This variant was observed in the ICSL laboratory as part of a predisposition screen in an ostensibly healthy population. It had not been previously curated by ICSL or reported in the Human Gene Mutation Database (HGMD: prior to June 1st, 2018), and was therefore a candidate for classification through an automated scoring system. Utilizing variant allele frequency, disease prevalence and penetrance estimates, and inheritance mode, an automated score was calculated to assess if this variant is too frequent to cause the disease. Based on the score and internal cut-off values, a variant classified as benign is not then subjected to further curation. The score for this variant resulted in a classification of benign for this disease.

Breakthrough Genomics
Classification: Benign. Review status: criteria provided, single submitter. Criteria: ACMG Guidelines, 2015. Collection method: not provided. Allele origin: germline. Inheritance: Autosomal dominant inheritance. Affected: yes.